The following is an entry in ClinVar:

ClinVar aggregate classification (germline): Pathogenic (1 of 4 stars; one submission).

gnomAD v4.1: 1 of 1,614,052 alleles (0.000062%); highest among the groups gnomAD compares: Non-Finnish European, 0.000085%; no homozygotes.

Submission:

Labcorp Genetics (formerly Invitae), Labcorp
Classification: Pathogenic. Last evaluated: 2022-01-03. Review status: criteria provided, single submitter. Criteria: Invitae Variant Classification Sherloc (09022015). Collection method: clinical testing. Allele origin: germline.
Comment: This variant disrupts the C-terminus of the RP1 protein. Many variants that disrupt this region have been reported in individuals with either autosomal dominant or autosomal recessive retinitis pigmentosa (PMID: 11527933, 19933189, 29425069, 30027431). Therefore, variants that disrupt this region are expected to be disease-causing. For these reasons, this variant has been classified as Pathogenic. This variant has not been reported in the literature in individuals affected with RP1-related conditions. This variant is not present in population databases (gnomAD no frequency). This sequence change creates a premature translational stop signal (p.Trp1746*) in the RP1 gene. While this is not anticipated to result in nonsense mediated decay, it is expected to disrupt the last 411 amino acid(s) of the RP1 protein.

Literature cited by the submitters: PubMed 11527933; PubMed 19933189; PubMed 29425069; PubMed 30027431.

NM_006269.2(RP1):c.5238G>A (p.Trp1746Ter)

Genes: RP1 (RP1 axonemal microtubule associated; plus strand), LOC126860392 (CDK7 strongly-dependent group 2 enhancer GRCh37_chr8:55541319-55542518; plus strand). Cytogenetic location: 8q12.1.
Variant type: single nucleotide variant.
Coding change: c.5238G>A on transcript NM_006269.2 (MANE Select); coding-DNA position 5238, G replaced by A.
Protein change: p.Trp1746Ter; replaces tryptophan 1746 with a stop codon.
Molecular consequence: nonsense. On other transcripts: intron variant (1).
Genome position (GRCh38, 1-based): chr8:54,629,120, G>A. VCF-style: chr8-54629120-G-A. GRCh37 (hg19) VCF-style: chr8-55541680-G-A.
Other names: c.787+6832G>A (NM_001375654.1); short protein forms W1746*.
Identifiers: ClinVar variation 2048868 (VCV002048868.4), dbSNP rs2536588347, ClinGen allele CA370985219.